The following is an entry in ClinVar:

ClinVar aggregate classification (germline): Uncertain significance (1 of 4 stars; one submission).

Allele frequency attached by ClinVar (database versions not stated): gnomAD exomes below 0.00001.
gnomAD v4.1: 1 of 1,613,616 alleles (0.000062%); highest among the groups gnomAD compares: Non-Finnish European, 0.000085%; no homozygotes.

Submission:

Labcorp Genetics (formerly Invitae), Labcorp
Classification: Uncertain significance. Last evaluated: 2021-08-25. Review status: criteria provided, single submitter. Criteria: Invitae Variant Classification Sherloc (09022015). Collection method: clinical testing. Allele origin: germline.
Comment: This sequence change replaces proline with leucine at codon 1232 of the TOP2B protein (p.Pro1232Leu). The proline residue is moderately conserved and there is a moderate physicochemical difference between proline and leucine. This variant is not present in population databases (ExAC no frequency). This variant has not been reported in the literature in individuals affected with TOP2B-related conditions. Algorithms developed to predict the effect of missense changes on protein structure and function (SIFT, PolyPhen-2, Align-GVGD) all suggest that this variant is likely to be tolerated. In summary, the available evidence is currently insufficient to determine the role of this variant in disease. Therefore, it has been classified as a Variant of Uncertain Significance.

NM_001330700.2(TOP2B):c.3710C>T (p.Pro1237Leu)

Gene: TOP2B (DNA topoisomerase II beta; minus strand). Cytogenetic location: 3p24.2.
Variant type: single nucleotide variant.
Coding change: c.3710C>T on transcript NM_001330700.2 (MANE Select); coding-DNA position 3710, C replaced by T.
Protein change: p.Pro1237Leu; replaces proline 1237 with leucine.
Molecular consequence: missense variant.
Genome position (GRCh38, 1-based): chr3:25,612,591, G>A on the plus strand (C>T on the coding strand, the complement: TOP2B is on the minus strand). VCF-style: chr3-25612591-G-A. GRCh37 (hg19) VCF-style: chr3-25654082-G-A.
Other names: c.3695C>T, p.Pro1232Leu (NM_001068.3); short protein forms P1237L, P1232L.
Identifiers: ClinVar variation 1521571 (VCV001521571.5), dbSNP rs2125355272, ClinGen allele CA351894789.